The following is an entry in ClinVar:

NM_032242.4(PLXNA1):c.1432G>A (p.Val478Ile)

Gene: PLXNA1 (plexin A1; plus strand). Cytogenetic location: 3q21.3.
Variant type: single nucleotide variant.
Coding change: c.1432G>A on transcript NM_032242.4 (MANE Select); coding-DNA position 1432, G replaced by A.
Protein change: p.Val478Ile; replaces valine 478 with isoleucine.
Molecular consequence: missense variant.
Genome position (GRCh38, 1-based): chr3:127,003,384, G>A. VCF-style: chr3-127003384-G-A. GRCh37 (hg19) VCF-style: chr3-126722227-G-A.
Other names: short protein forms V478I.
Identifiers: ClinVar variation 3051529 (VCV003051529.2), dbSNP rs199693063, ClinGen allele CA2593241.

ClinVar aggregate classification (germline): Likely benign (0 of 4 stars; one submission).

Conditions:
PLXNA1-related disorder. Also called: PLXNA1-related condition.

Allele frequency attached by ClinVar (database versions not stated): TOPMed 0.00009; gnomAD 0.00015; ExAC 0.00080; 1000 Genomes Project 30x 0.00094; 1000 Genomes Project 0.00100.
gnomAD v4.1: 568 of 1,612,028 alleles (0.035%); highest among the groups gnomAD compares: South Asian, 0.49%; 2 homozygotes.

Submission:

PreventionGenetics, part of Exact Sciences
Classification: Likely benign for PLXNA1-related condition. Last evaluated: 2019-02-22. Review status: no assertion criteria provided. Collection method: clinical testing. Allele origin: germline.
Comment: This variant is classified as likely benign based on ACMG/AMP sequence variant interpretation guidelines (Richards et al. 2015 PMID: 25741868, with internal and published modifications).